The following is an entry in ClinVar:

ClinVar aggregate classification (germline): Uncertain significance (1 of 4 stars; one submission).

Allele frequency attached by ClinVar (database versions not stated): gnomAD 0.00001; ExAC 0.00002; gnomAD exomes 0.00004; 1000 Genomes Project 30x 0.00016; 1000 Genomes Project 0.00020.
gnomAD v4.1: 27 of 1,614,062 alleles (0.0017%); highest among the groups gnomAD compares: East Asian, 0.056%; no homozygotes.

Submission:

Labcorp Genetics (formerly Invitae), Labcorp
Classification: Uncertain significance. Last evaluated: 2021-09-17. Review status: criteria provided, single submitter. Criteria: Invitae Variant Classification Sherloc (09022015). Collection method: clinical testing. Allele origin: germline.
Comment: This sequence change replaces valine with alanine at codon 421 of the ESCO2 protein (p.Val421Ala). The valine residue is moderately conserved and there is a small physicochemical difference between valine and alanine. This variant is present in population databases (rs189897222, ExAC 0.02%). This variant has not been reported in the literature in individuals with ESCO2-related conditions. Algorithms developed to predict the effect of missense changes on protein structure and function output the following: SIFT: "Tolerated"; PolyPhen-2: "Benign"; Align-GVGD: "Class C0". The alanine amino acid residue is found in multiple mammalian species, suggesting that this missense change does not adversely affect protein function. These predictions have not been confirmed by published functional studies and their clinical significance is uncertain. In summary, the available evidence is currently insufficient to determine the role of this variant in disease. Therefore, it has been classified as a Variant of Uncertain Significance.

NM_001017420.3(ESCO2):c.1262T>C (p.Val421Ala)

Gene: ESCO2 (establishment of sister chromatid cohesion N-acetyltransferase 2; plus strand). Cytogenetic location: 8p21.1.
Variant type: single nucleotide variant.
Coding change: c.1262T>C on transcript NM_001017420.3 (MANE Select); coding-DNA position 1262, T replaced by C.
Protein change: p.Val421Ala; replaces valine 421 with alanine.
Molecular consequence: missense variant.
Genome position (GRCh38, 1-based): chr8:27,788,977, T>C. VCF-style: chr8-27788977-T-C. GRCh37 (hg19) VCF-style: chr8-27646494-T-C.
Other names: short protein forms V421A.
Identifiers: ClinVar variation 2148092 (VCV002148092.1), dbSNP rs189897222, ClinGen allele CA4692252.
Genomic context (GRCh38, chr8:27,788,977, plus strand): 5'-CTGAAGATGAAATGCAGCATGTACAGCATCACCACAGGTTTCTGGAAGGAATCAAATATG[T>C]GGTGAGCCAAAACATAGTCTTTCAGTTTGTTCTAGAAGTAAAACTAAAAGAGACATTTCT-3'
Protein context (NP_001017420.1, residues 411-431): HHRFLEGIKY[Val421Ala]GWKKERVVAE